The following is an entry in ClinVar:

NM_080911.3(UNG):c.528G>A (p.Pro176=)

Gene: UNG (uracil DNA glycosylase; plus strand). Cytogenetic location: 12q24.11.
Variant type: single nucleotide variant.
Coding change: c.528G>A on transcript NM_080911.3 (MANE Select); coding-DNA position 528, G replaced by A.
Protein change: p.Pro176=; no amino-acid change (proline 176 retained).
Molecular consequence: synonymous variant.
Genome position (GRCh38, 1-based): chr12:109,101,994, G>A. VCF-style: chr12-109101994-G-A. GRCh37 (hg19) VCF-style: chr12-109539799-G-A.
Other names: c.501G>A, p.Pro167= (NM_003362.4).
Identifiers: ClinVar variation 306972 (VCV000306972.39), dbSNP rs373915335, ClinGen allele CA6772650.
Genomic context (GRCh38, chr12:109,101,994, plus strand): 5'-TCATGGACCTAATCAAGCTCACGGGCTCTGCTTTAGTGTTCAAAGGCCTGTTCCGCCTCC[G>A]CCCAGGTACAGTTGCTTTACAGGTGACTGCAGTCCAGACATGATTCCTTTCAGATGTGTA-3'
Protein context (NP_550433.1, residues 166-186): CFSVQRPVPP[Pro176=]PSLENIYKEL

ClinVar aggregate classification (germline): Benign. Review status: criteria provided, multiple submitters, no conflicts (2 of 4 stars). 4 submissions from 4 submitters: Benign (4). Last evaluated 2026-09-01.

Conditions:
Hyper-IgM syndrome type 5 (HIGM5). Also called: Hyper-IgM Immunodeficiency Syndrome, Type 5. Identifiers: Orphanet 101092, MedGen C1720958, MONDO:0011971, OMIM 608106.

Allele frequency attached by ClinVar (database versions not stated): gnomAD 0.00014 and 0.00046; ESP Exome Variant Server 0.00015; TOPMed 0.00021; 1000 Genomes Project 0.00120; 1000 Genomes Project 30x 0.00141.
gnomAD v4.1: 1,409 of 1,613,808 alleles (0.087%); highest among the groups gnomAD compares: South Asian, 1.3%; 18 homozygotes.

Submissions (4):

CeGaT Center for Human Genetics Tuebingen
Classification: Benign. Last evaluated: 2026-09-01. Review status: criteria provided, single submitter. Criteria: CeGaT Center For Human Genetics Tuebingen Variant Classification Criteria Version 2. Collection method: clinical testing. Allele origin: germline. Affected: yes. Observed: 3 variant alleles.
Comment: UNG: BP4, BP7, BS1, BS2

Labcorp Genetics (formerly Invitae), Labcorp
Classification: Benign for Hyper-IgM syndrome type 5. Last evaluated: 2026-01-20. Review status: criteria provided, single submitter. Criteria: Invitae Variant Classification Sherloc (09022015). Collection method: clinical testing. Allele origin: germline.

Women's Health and Genetics/Laboratory Corporation of America, LabCorp
Classification: Benign. Last evaluated: 2024-12-06. Review status: criteria provided, single submitter. Criteria: LabCorp Variant Classification Summary - May 2015. Collection method: clinical testing. Allele origin: germline.

Illumina Laboratory Services, Illumina
Classification: Benign for Hyper-IgM syndrome type 5. Last evaluated: 2018-01-12. Review status: criteria provided, single submitter. Criteria: ICSL Variant Classification Criteria 13 December 2019. Collection method: clinical testing. Allele origin: germline.
Comment: This variant was observed in the ICSL laboratory as part of a predisposition screen in an ostensibly healthy population. It had not been previously curated by ICSL or reported in the Human Gene Mutation Database (HGMD: prior to June 1st, 2018), and was therefore a candidate for classification through an automated scoring system. Utilizing variant allele frequency, disease prevalence and penetrance estimates, and inheritance mode, an automated score was calculated to assess if this variant is too frequent to cause the disease. Based on the score and internal cut-off values, a variant classified as benign is not then subjected to further curation. The score for this variant resulted in a classification of benign for this disease.